The following is an entry in ClinVar:

ClinVar aggregate classification (germline): Uncertain significance (1 of 4 stars; one submission).

Submission:

Ambry Genetics
Classification: Uncertain significance. Last evaluated: 2021-07-14. Review status: criteria provided, single submitter. Criteria: Ambry Variant Classification Scheme 2023. Collection method: clinical testing. Allele origin: germline.
Comment: The p.R1232L variant (also known as c.3695G>T), located in coding exon 6 of the MLH3 gene, results from a G to T substitution at nucleotide position 3695. The arginine at codon 1232 is replaced by leucine, an amino acid with dissimilar properties. This amino acid position is conserved. In addition, this alteration is predicted to be deleterious by in silico analysis. Since supporting evidence is limited at this time, the clinical significance of this alteration remains unclear.

NM_001040108.2(MLH3):c.3695G>T (p.Arg1232Leu)

Gene: MLH3 (mutL homolog 3; minus strand). Cytogenetic location: 14q24.3.
Variant type: single nucleotide variant.
Coding change: c.3695G>T on transcript NM_001040108.2 (MANE Select); coding-DNA position 3695, G replaced by T.
Protein change: p.Arg1232Leu; replaces arginine 1232 with leucine.
Molecular consequence: missense variant. On other transcripts: intron variant (1).
Genome position (GRCh38, 1-based): chr14:75,033,439, C>A on the plus strand (G>T on the coding strand, the complement: MLH3 is on the minus strand). VCF-style: chr14-75033439-C-A. GRCh37 (hg19) VCF-style: chr14-75500142-C-A.
Other names: c.3644-1260G>T (NM_014381.3); short protein forms R1232L.
Identifiers: ClinVar variation 1733993 (VCV001733993.2), dbSNP rs1288614526, ClinGen allele CA390425292.
Genomic context (GRCh38, chr14:75,033,439, plus strand): 5'-GGGAGTCTCAAATTTTTTCTGGCTGCAAACAGATCCTTACCAATGATAAGCTGCTCCAGA[C>A]GTATACGCTCATGGGCAGCGTGCTGATCCACCAGCACGAGCAGGTTCCCACCTAGATGAG-3'
Protein context (NP_001035197.1, residues 1222-1242): VDQHAAHERI[Arg1232Leu]LEQLIIDSYE